The following is an entry in ClinVar:

ClinVar aggregate classification (germline): Uncertain significance. Review status: criteria provided, multiple submitters, no conflicts (2 of 4 stars). 2 submissions from 2 submitters: Uncertain significance (2). Last evaluated 2024-05-08.

Conditions:
Epidermodysplasia verruciformis. Identifiers: Orphanet 302, MedGen C0014522, MONDO:0009176.
Inborn genetic diseases. Identifiers: MedGen C0950123, MeSH D030342.

Allele frequency attached by ClinVar (database versions not stated): gnomAD exomes 0.00004.
gnomAD v4.1: 224 of 1,522,628 alleles (0.015%); highest among the groups gnomAD compares: Middle Eastern, 0.019%; no homozygotes.

Submissions (2):

Ambry Genetics
Classification: Uncertain significance for Inborn genetic diseases. Last evaluated: 2024-05-08. Review status: criteria provided, single submitter. Criteria: Ambry Variant Classification Scheme 2023. Collection method: clinical testing. Allele origin: germline.

Labcorp Genetics (formerly Invitae), Labcorp
Classification: Uncertain significance for Epidermodysplasia verruciformis. Last evaluated: 2022-04-21. Review status: criteria provided, single submitter. Criteria: Invitae Variant Classification Sherloc (09022015). Collection method: clinical testing. Allele origin: germline.
Comment: This sequence change replaces arginine, which is basic and polar, with proline, which is neutral and non-polar, at codon 83 of the TMC8 protein (p.Arg83Pro). This variant is present in population databases (no rsID available, gnomAD 0.009%). This variant has not been reported in the literature in individuals affected with TMC8-related conditions. Algorithms developed to predict the effect of missense changes on protein structure and function output the following: SIFT: "Tolerated"; PolyPhen-2: "Possibly Damaging"; Align-GVGD: "Class C0". The proline amino acid residue is found in multiple mammalian species, which suggests that this missense change does not adversely affect protein function. In summary, the available evidence is currently insufficient to determine the role of this variant in disease. Therefore, it has been classified as a Variant of Uncertain Significance.

NM_152468.5(TMC8):c.248G>C (p.Arg83Pro)

Genes: TMC6 (transmembrane channel like 6; minus strand), TMC8 (transmembrane channel like 8; plus strand). Cytogenetic location: 17q25.3.
Variant type: single nucleotide variant.
Coding change: c.248G>C on transcript NM_152468.5 (MANE Select); coding-DNA position 248, G replaced by C.
Protein change: p.Arg83Pro; replaces arginine 83 with proline.
Molecular consequence: missense variant. On other transcripts: intron variant (1).
Genome position (GRCh38, 1-based): chr17:78,131,980, G>C. VCF-style: chr17-78131980-G-C. GRCh37 (hg19) VCF-style: chr17-76128061-G-C.
Other names: c.-75+361C>G (NM_007267.7); short protein forms R83P.
Identifiers: ClinVar variation 1523702 (VCV001523702.7), dbSNP rs1021551980, ClinGen allele CA294359504.